The following is an entry in ClinVar:

ClinVar aggregate classification (germline): Likely pathogenic (1 of 4 stars; one submission).

Conditions:
Lysinuric protein intolerance (LPI). Identifiers: Orphanet 470, MedGen C0268647, MONDO:0009109, OMIM 222700.

Submission:

Natera, Inc.
Classification: Likely pathogenic for Lysinuric protein intolerance. Last evaluated: 2024-08-01. Review status: criteria provided, single submitter. Criteria: Natera Variant Classification Schema (03/2026). Collection method: clinical testing. Allele origin: germline.
Comment: The c.1111_1121del variant in SLC7A7 is a frameshift variant predicted to shift the reading frame beginning at codon 371 and leads to a stop codon 9 codons downstream. This variant is expected to result in nonsense mediated decay, truncation, or a dysfunctional protein product. This variant is rare in the general population with a frequency below the threshold expected for the associated phenotype(s). Given the available evidence, this variant is classified as Likely Pathogenic.

NM_003982.4(SLC7A7):c.1111_1121del (p.Ile371fs)

Gene: SLC7A7 (solute carrier family 7 member 7; minus strand). Cytogenetic location: 14q11.2.
Variant type: Deletion.
Coding change: c.1111_1121del on transcript NM_003982.4 (MANE Select); coding-DNA positions 1111 to 1121, 11 bases deleted (ATCTACTTGTG).
Protein change: p.Ile371fs; shifts the reading frame from isoleucine 371.
Molecular consequence: frameshift variant.
Genome position (GRCh38, 1-based): chr14:22,774,478-22,774,488, CACAAGTAGAT deleted on the plus strand (ATCTACTTGTG on the coding strand, the reverse complement: SLC7A7 is on the minus strand); deleting any 11 consecutive bases within chr14:22,774,478-22,774,490 gives the same sequence; the c. name uses the placement nearest the transcript's 3' end. VCF-style (leftmost placement, unchanged base first): chr14-22774477-GCACAAGTAGAT-G. GRCh37 (hg19) VCF-style: chr14-23243686-GCACAAGTAGAT-G.
Other names: c.1111_1121del, p.Ile371fs (NM_001126105.3, NM_001126106.4); c.1109_1119delTGATCTACTTG, p.Ile371Argfs (NM_001126106.2); short protein forms I371fs.
Identifiers: ClinVar variation 4814588 (VCV004814588.1).
Genomic context (GRCh38, chr14:22,774,477, plus strand): 5'-CCCCACAAAGAACCAGTAGCTGAAGCTGTAGTAGTTAATGAGCTGGAAGATGTCTTCCAC[GCACAAGTAGAT>G]CAATGCCATGATACCCTGTAAGCGTGAGCCTAAGTCAGCTCTTCTCAGGGCCTTTGTTAA-3'